The following is an entry in ClinVar:

NM_001429.4(EP300):c.108_111del (p.Phe37fs)

Gene: EP300 (EP300 lysine acetyltransferase; plus strand). Cytogenetic location: 22q13.2.
Variant type: Deletion.
Coding change: c.108_111del on transcript NM_001429.4 (MANE Select); coding-DNA positions 108 to 111, 4 bases deleted (ATTT; older notation c.108_111delATTT).
Protein change: p.Phe37fs; shifts the reading frame from phenylalanine 37.
Molecular consequence: frameshift variant.
Genome position (GRCh38, 1-based): chr22:41,117,200-41,117,203, ATTT deleted; deleting any 4 consecutive bases within chr22:41,117,199-41,117,203 gives the same sequence; the c. name uses the placement nearest the transcript's 3' end. VCF-style (leftmost placement, unchanged base first): chr22-41117198-CTATT-C. GRCh37 (hg19) VCF-style: chr22-41513202-CTATT-C.
Other names: c.108_111del, p.Phe37fs (NM_001362843.2); short protein forms F37fs.
Identifiers: ClinVar variation 1708232 (VCV001708232.2), dbSNP rs2518115346, ClinGen allele CA2580099804.

ClinVar aggregate classification (germline): Pathogenic (1 of 4 stars; one submission).

Conditions:
Rubinstein-Taybi syndrome due to EP300 haploinsufficiency. Also called: RUBINSTEIN-TAYBI SYNDROME 2; EP300-Related Rubinstein-Taybi Syndrome. Identifiers: Orphanet 353284, Orphanet 783, MedGen C3150941, MONDO:0013364, OMIM 613684.

Submission:

Genetics Laboratory, UDIAT-Centre Diagnòstic, Hospital Universitari Parc Tauli
Classification: Pathogenic for Rubinstein-Taybi syndrome due to EP300 haploinsufficiency. Last evaluated: 2022-10-04. Review status: criteria provided, single submitter. Criteria: Parc Tauli Hospital Assertion Criteria 2021. Collection method: clinical testing. Allele origin: de novo. Inheritance: Autosomal dominant inheritance. Affected: yes.
Comment: PVS1;PM2_supporting;PM6